The following is an entry in ClinVar:

NM_182925.5(FLT4):c.716C>T (p.Ser239Leu)

Gene: FLT4 (fms related receptor tyrosine kinase 4; minus strand). Cytogenetic location: 5q35.3.
Variant type: single nucleotide variant.
Coding change: c.716C>T on transcript NM_182925.5 (MANE Select); coding-DNA position 716, C replaced by T.
Protein change: p.Ser239Leu; replaces serine 239 with leucine.
Molecular consequence: missense variant.
Genome position (GRCh38, 1-based): chr5:180,629,796, G>A on the plus strand (C>T on the coding strand, the complement: FLT4 is on the minus strand). VCF-style: chr5-180629796-G-A. GRCh37 (hg19) VCF-style: chr5-180056796-G-A.
Other names: c.716C>T, p.Ser239Leu (NM_001354989.2, NM_002020.5); short protein forms S239L.
Identifiers: ClinVar variation 4082659 (VCV004082659.1).

ClinVar aggregate classification (germline): Uncertain significance (1 of 4 stars; one submission).

gnomAD v4.1: 5 of 1,612,426 alleles (0.00031%); highest among the groups gnomAD compares: African/African-American, 0.0013%; no homozygotes.

Submission:

GeneDx
Classification: Uncertain significance. Last evaluated: 2025-03-02. Review status: criteria provided, single submitter. Criteria: GeneDx Variant Classification Process June 2021. Collection method: clinical testing. Allele origin: germline. Affected: yes.
Comment: Not observed at significant frequency in large population cohorts (gnomAD); In silico analysis indicates that this missense variant does not alter protein structure/function; Has not been previously published as pathogenic or benign to our knowledge